The following is an entry in ClinVar:

NM_014028.4(OSTM1):c.548C>G (p.Ser183Ter)

Gene: OSTM1 (osteoclastogenesis associated transmembrane protein 1; minus strand). Cytogenetic location: 6q21.
Variant type: single nucleotide variant.
Coding change: c.548C>G on transcript NM_014028.4 (MANE Select); coding-DNA position 548, C replaced by G.
Protein change: p.Ser183Ter; replaces serine 183 with a stop codon.
Molecular consequence: nonsense.
Genome position (GRCh38, 1-based): chr6:108,054,557, G>C on the plus strand (C>G on the coding strand, the complement: OSTM1 is on the minus strand). VCF-style: chr6-108054557-G-C. GRCh37 (hg19) VCF-style: chr6-108375761-G-C.
Other names: short protein forms S183*.
Identifiers: ClinVar variation 3639746 (VCV003639746.3).

ClinVar aggregate classification (germline): Pathogenic (1 of 4 stars; one submission).

gnomAD v4.1: 1 of 1,570,662 alleles (0.000064%); highest among the groups gnomAD compares: Non-Finnish European, 0.000087%; no homozygotes.

Submission:

Labcorp Genetics (formerly Invitae), Labcorp
Classification: Pathogenic. Last evaluated: 2024-02-08. Review status: criteria provided, single submitter. Criteria: Invitae Variant Classification Sherloc (09022015). Collection method: clinical testing. Allele origin: germline.
Comment: This sequence change creates a premature translational stop signal (p.Ser183*) in the OSTM1 gene. It is expected to result in an absent or disrupted protein product. Loss-of-function variants in OSTM1 are known to be pathogenic (PMID: 12627228, 15108279, 16813530). This variant is not present in population databases (gnomAD no frequency). This variant has not been reported in the literature in individuals affected with OSTM1-related conditions. For these reasons, this variant has been classified as Pathogenic.

Literature cited by the submitters: PubMed 12627228; PubMed 15108279; PubMed 16813530.